The following is an entry in ClinVar:

ClinVar aggregate classification (germline): Uncertain significance (1 of 4 stars; one submission).

Allele frequency attached by ClinVar (database versions not stated): gnomAD exomes below 0.00001.
gnomAD v4.1: 2 of 1,614,006 alleles (0.00012%); highest among the groups gnomAD compares: Non-Finnish European, 0.00017%; no homozygotes.

Submission:

Labcorp Genetics (formerly Invitae), Labcorp
Classification: Uncertain significance. Last evaluated: 2022-03-20. Review status: criteria provided, single submitter. Criteria: Invitae Variant Classification Sherloc (09022015). Collection method: clinical testing. Allele origin: germline.
Comment: In summary, the available evidence is currently insufficient to determine the role of this variant in disease. Therefore, it has been classified as a Variant of Uncertain Significance. This sequence change replaces alanine, which is neutral and non-polar, with threonine, which is neutral and polar, at codon 449 of the CYP4V2 protein (p.Ala449Thr). This variant is not present in population databases (gnomAD no frequency). This variant has not been reported in the literature in individuals affected with CYP4V2-related conditions. Advanced modeling of protein sequence and biophysical properties (such as structural, functional, and spatial information, amino acid conservation, physicochemical variation, residue mobility, and thermodynamic stability) performed at Invitae indicates that this missense variant is not expected to disrupt CYP4V2 protein function.

NM_207352.4(CYP4V2):c.1345G>A (p.Ala449Thr)

Gene: CYP4V2 (cytochrome P450 family 4 subfamily V member 2; plus strand). Cytogenetic location: 4q35.2.
Variant type: single nucleotide variant.
Coding change: c.1345G>A on transcript NM_207352.4 (MANE Select); coding-DNA position 1345, G replaced by A.
Protein change: p.Ala449Thr; replaces alanine 449 with threonine.
Molecular consequence: missense variant.
Genome position (GRCh38, 1-based): chr4:186,209,212, G>A. VCF-style: chr4-186209212-G-A. GRCh37 (hg19) VCF-style: chr4-187130366-G-A.
Other names: short protein forms A449T.
Identifiers: ClinVar variation 1915691 (VCV001915691.5), dbSNP rs2478947932, ClinGen allele CA358950597.